The following is an entry in ClinVar:

NM_001283009.2(RTEL1):c.2940T>C (p.Pro980=)

Genes: RTEL1 (regulator of telomere elongation helicase 1; plus strand), RTEL1-TNFRSF6B (RTEL1-TNFRSF6B readthrough (NMD candidate); plus strand). Cytogenetic location: 20q13.33.
Variant type: single nucleotide variant.
Coding change: c.2940T>C on transcript NM_001283009.2 (MANE Select); coding-DNA position 2940, T replaced by C.
Protein change: p.Pro980=; no amino-acid change (proline 980 retained).
Molecular consequence: synonymous variant. On other transcripts: non-coding transcript variant (1).
Genome position (GRCh38, 1-based): chr20:63,693,231, T>C. VCF-style: chr20-63693231-T-C. GRCh37 (hg19) VCF-style: chr20-62324584-T-C.
Other names: c.2271T>C, p.Pro757= (NM_001283010.1); c.2940T>C, p.Pro980= (NM_016434.4); c.3012T>C, p.Pro1004= (NM_032957.5).
Identifiers: ClinVar variation 769111 (VCV000769111.19), dbSNP rs141618172, ClinGen allele CA9965666.

ClinVar aggregate classification (germline): Likely benign. Review status: criteria provided, multiple submitters, no conflicts (2 of 4 stars). 7 submissions from 7 submitters: Likely benign (4). 3 of the submissions do not count toward it. Last evaluated 2026-01-27.

Conditions:
Dyskeratosis congenita, autosomal recessive 5 (DKCB5). Identifiers: MedGen C3554656, MONDO:0014076, OMIM 615190.
Pulmonary fibrosis and/or bone marrow failure, Telomere-related, 3. Also called: PULMONARY FIBROSIS AND/OR BONE MARROW FAILURE SYNDROME, TELOMERE-RELATED, 3. Identifiers: Orphanet 2032, MedGen C4225346, MONDO:0014613, OMIM 616373.
RTEL1-related disorder. Also called: RTEL1-related disorders; RTEL1-related condition.
Dyskeratosis congenita. Identifiers: Orphanet 1775, MedGen C0265965, MONDO:0015780.
Inborn genetic diseases. Identifiers: MedGen C0950123, MeSH D030342.

Allele frequency attached by ClinVar (database versions not stated): gnomAD exomes 0.00014; ExAC 0.00015; TOPMed 0.00065; ESP Exome Variant Server 0.00069; gnomAD 0.00074; 1000 Genomes Project 0.00100; 1000 Genomes Project 30x 0.00141.
gnomAD v4.1: 174 of 1,612,072 alleles (0.011%); highest among the groups gnomAD compares: African/African-American, 0.21%; no homozygotes.

Submissions (7):

Labcorp Genetics (formerly Invitae), Labcorp
Classification: Likely benign for Dyskeratosis congenita, autosomal recessive 5; Pulmonary fibrosis and/or bone marrow failure, Telomere-related, 3. Last evaluated: 2026-01-27. Review status: criteria provided, single submitter. Criteria: Invitae Variant Classification Sherloc (09022015). Collection method: clinical testing. Allele origin: germline.

ARUP Laboratories, Molecular Genetics and Genomics, ARUP Laboratories
Classification: Likely benign. Last evaluated: 2024-05-10. Review status: criteria provided, single submitter. Criteria: ARUP Molecular Germline Variant Investigation Process 2024. Collection method: clinical testing. Allele origin: germline.

Blueprint Genetics
Classification: Likely benign. Last evaluated: 2022-07-13. Review status: criteria provided, single submitter. Criteria: ACMG Guidelines, 2015. Collection method: clinical testing. Allele origin: germline.

Ambry Genetics
Classification: Likely benign for Inborn genetic diseases. Last evaluated: 2022-05-06. Review status: criteria provided, single submitter. Criteria: Ambry Variant Classification Scheme 2023. Collection method: clinical testing. Allele origin: germline.

Genetic Services Laboratory, University of Chicago
Classification: Likely benign. Last evaluated: 2022-02-21. Review status: no assertion criteria provided. Collection method: clinical testing. Allele origin: germline. Affected: no. Not counted in ClinVar's aggregate classification.

Natera, Inc.
Classification: Likely benign for Dyskeratosis congenita. Last evaluated: 2019-12-09. Review status: no assertion criteria provided. Collection method: clinical testing. Allele origin: germline. Not counted in ClinVar's aggregate classification.

PreventionGenetics, part of Exact Sciences
Classification: Likely benign for RTEL1-related condition. Last evaluated: 2019-07-08. Review status: no assertion criteria provided. Collection method: clinical testing. Allele origin: germline. Not counted in ClinVar's aggregate classification.
Comment: This variant is classified as likely benign based on ACMG/AMP sequence variant interpretation guidelines (Richards et al. 2015 PMID: 25741868, with internal and published modifications).